The following is an entry in ClinVar:

NM_000719.7(CACNA1C):c.6064G>C (p.Ala2022Pro)

Genes: CACNA1C (calcium voltage-gated channel subunit alpha1 C; plus strand), CACNA1C-AS1 (CACNA1C antisense RNA 1; minus strand). Cytogenetic location: 12p13.33.
Variant type: single nucleotide variant.
Coding change: c.6064G>C on transcript NM_000719.7 (MANE Select); coding-DNA position 6064, G replaced by C.
Protein change: p.Ala2022Pro; replaces alanine 2022 with proline.
Molecular consequence: missense variant.
Genome position (GRCh38, 1-based): chr12:2,688,726, G>C. VCF-style: chr12-2688726-G-C. GRCh37 (hg19) VCF-style: chr12-2797892-G-C.
Other names: c.6208G>C, p.Ala2070Pro (NM_001129827.2); c.6187G>C, p.Ala2063Pro (NM_001129829.2); c.6169G>C, p.Ala2057Pro (NM_001129830.3, NM_001167624.3); c.6148G>C, p.Ala2050Pro (NM_001129831.2); c.6124G>C, p.Ala2042Pro (NM_001129832.2); c.6121G>C, p.Ala2041Pro (NM_001129833.2, NM_001129834.2, NM_001129835.2); c.6115G>C, p.Ala2039Pro (NM_001129836.2); c.6088G>C, p.Ala2030Pro (NM_001129837.2, NM_001129838.2); and 6 more; short protein forms A2022P, A2070P, A2057P, A2011P, A2028P, A2039P, A2063P, A2019P.
Identifiers: ClinVar variation 411732 (VCV000411732.10), dbSNP rs758974396, ClinGen allele CA6390071.

ClinVar aggregate classification (germline): Conflicting classifications of pathogenicity. Review status: criteria provided, conflicting classifications (1 of 4 stars). 3 submissions from 3 submitters: Uncertain significance (2); Likely benign (1). Last evaluated 2024-10-09.

Conditions:
Long QT syndrome (LQTS). Identifiers: MedGen C0023976, MeSH D008133, MONDO:0002442. Disease mechanism: loss of function. Inheritance: Various modes of inheritance.
Timothy syndrome (TS). Also called: LONG QT SYNDROME WITH SYNDACTYLY. Identifiers: Orphanet 65283, MedGen C1832916, MeSH C536962, MONDO:0010979, OMIM 601005.
Brugada syndrome 3 (BRGDA3). Identifiers: Orphanet 130, MedGen C2678478, MONDO:0012742, OMIM 611875.
Long QT syndrome 8. Identifiers: MedGen CN260585, MONDO:0032756, OMIM 618447.
Cardiovascular phenotype. Identifiers: MedGen CN230736.

Allele frequency attached by ClinVar (database versions not stated): ExAC 0.00001; gnomAD exomes 0.00001 and 0.00002; gnomAD 0.00003; TOPMed 0.00005.
gnomAD v4.1: 24 of 1,601,444 alleles (0.0015%); highest among the groups gnomAD compares: Middle Eastern, 0.017%; 1 homozygote.

Submissions (3):

Labcorp Genetics (formerly Invitae), Labcorp
Classification: Likely benign for Long QT syndrome. Last evaluated: 2024-10-09. Review status: criteria provided, single submitter. Criteria: Invitae Variant Classification Sherloc (09022015). Collection method: clinical testing. Allele origin: germline.

Ambry Genetics
Classification: Uncertain significance for Cardiovascular phenotype. Last evaluated: 2023-03-13. Review status: criteria provided, single submitter. Criteria: Ambry Variant Classification Scheme 2023. Collection method: clinical testing. Allele origin: germline.
Comment: The p.A2022P variant (also known as c.6064G>C), located in coding exon 46 of the CACNA1C gene, results from a G to C substitution at nucleotide position 6064. The alanine at codon 2022 is replaced by proline, an amino acid with highly similar properties. Based on data from gnomAD, the frequency for this variant is above the maximum credible frequency for a cardiac disease-causing variant in this gene based on internally established thresholds (Karczewski et al. Nature. 2020 May;581(7809):434-443; Whiffin et al. Genet Med. 2017 10;19:1151-1158). This amino acid position is not well conserved in available vertebrate species. In addition, this alteration is predicted to be tolerated by in silico analysis. Based on the supporting evidence, the association of this alteration with CACNA1C-related neurodevelopmental disorder is unknown; however, the association of this alteration with long QT syndrome or Timothy syndrome is unlikely.

Fulgent Genetics
Classification: Uncertain significance for Timothy syndrome; Brugada syndrome 3; Long QT syndrome 8. Last evaluated: 2021-08-11. Review status: criteria provided, single submitter. Criteria: ACMG Guidelines, 2015. Collection method: clinical testing. Allele origin: unknown.